The following is an entry in ClinVar:

NM_173598.6(KSR2):c.1381A>G (p.Ile461Val)

Gene: KSR2 (kinase suppressor of ras 2; minus strand). Cytogenetic location: 12q24.22.
Variant type: single nucleotide variant.
Coding change: c.1381A>G on transcript NM_173598.6 (MANE Select); coding-DNA position 1381, A replaced by G.
Protein change: p.Ile461Val; replaces isoleucine 461 with valine.
Molecular consequence: missense variant.
Genome position (GRCh38, 1-based): chr12:117,558,518, T>C on the plus strand (A>G on the coding strand, the complement: KSR2 is on the minus strand). VCF-style: chr12-117558518-T-C. GRCh37 (hg19) VCF-style: chr12-117996323-T-C.
Other names: short protein forms I461V.
Identifiers: ClinVar variation 3117183 (VCV003117183.4), dbSNP rs531279093, ClinGen allele CA6816039.

ClinVar aggregate classification (germline): Uncertain significance. Review status: criteria provided, multiple submitters, no conflicts (2 of 4 stars). 2 submissions from 2 submitters: Uncertain significance (2). Last evaluated 2026-02-16.

Conditions:
KSR2-related disorder. Also called: KSR2-related condition.

Allele frequency attached by ClinVar (database versions not stated): ExAC 0.00001; TOPMed 0.00003; gnomAD 0.00005; gnomAD exomes 0.00005.
gnomAD v4.1: 80 of 1,613,762 alleles (0.005%); highest among the groups gnomAD compares: Non-Finnish European, 0.0066%; no homozygotes.

Submissions (2):

PreventionGenetics, part of Exact Sciences
Classification: Uncertain significance for KSR2-related condition. Last evaluated: 2026-02-16. Review status: criteria provided, single submitter. Criteria: ACMG Guidelines, 2015. Collection method: clinical testing. Allele origin: germline.
Comment: The KSR2 c.1294A>G variant is predicted to result in the amino acid substitution p.Ile432Val. To our knowledge, this variant has not been reported in the literature. This variant is reported in 0.0044% of alleles in individuals of European (Non-Finnish) descent in gnomAD. At this time, the clinical significance of this variant is uncertain due to the absence of conclusive functional and genetic evidence.

Ambry Genetics
Classification: Uncertain significance. Last evaluated: 2025-11-25. Review status: criteria provided, single submitter. Criteria: Ambry Variant Classification Scheme 2023. Collection method: clinical testing. Allele origin: germline.